The following is an entry in ClinVar:

NM_000829.4(GRIA4):c.1416T>C (p.Tyr472=)

Gene: GRIA4 (glutamate ionotropic receptor AMPA type subunit 4; plus strand). Cytogenetic location: 11q22.3.
Variant type: single nucleotide variant.
Coding change: c.1416T>C on transcript NM_000829.4 (MANE Select); coding-DNA position 1416, T replaced by C.
Protein change: p.Tyr472=; no amino-acid change (tyrosine 472 retained).
Molecular consequence: synonymous variant. On other transcripts: non-coding transcript variant (1).
Genome position (GRCh38, 1-based): chr11:105,918,858, T>C. VCF-style: chr11-105918858-T-C. GRCh37 (hg19) VCF-style: chr11-105789584-T-C.
Other names: c.1416T>C, p.Tyr472= (NM_001077243.3).
Identifiers: ClinVar variation 1298525 (VCV001298525.35), dbSNP rs1199631242, ClinGen allele CA476697669.
Genomic context (GRCh38, chr11:105,918,858, plus strand): 5'-TGAAATTGCAAAACATATTGGTATCAAGTATAAAATTGCCATTGTCCCTGATGGAAAATA[T>C]GGAGCAAGGGATGCAGACACAAAAATCTGGAATGGGATGGTAGGAGAACTTGTTTATGGG-3'
Protein context (NP_000820.4, residues 462-482): YKIAIVPDGK[Tyr472=]GARDADTKIW

ClinVar aggregate classification (germline): Likely benign (1 of 4 stars; one submission).

Allele frequency attached by ClinVar (database versions not stated): gnomAD 0.00002; gnomAD exomes 0.00002; TOPMed 0.00002.
gnomAD v4.1: 38 of 1,611,896 alleles (0.0024%); highest among the groups gnomAD compares: Non-Finnish European, 0.0031%; no homozygotes.

Submission:

CeGaT Center for Human Genetics Tuebingen
Classification: Likely benign. Last evaluated: 2026-02-01. Review status: criteria provided, single submitter. Criteria: CeGaT Center For Human Genetics Tuebingen Variant Classification Criteria Version 2. Collection method: clinical testing. Allele origin: germline. Affected: yes. Observed: 2 variant alleles.
Comment: GRIA4: BP4, BP7